The following is an entry in ClinVar:

ClinVar aggregate classification (germline): Pathogenic/Likely pathogenic. Review status: criteria provided, multiple submitters, no conflicts (2 of 4 stars). 4 submissions from 4 submitters: Pathogenic (2); Likely pathogenic (2). Last evaluated 2025-06-19.

Conditions:
LOXHD1-related disorder. Also called: LOXHD1-related condition.
Nonsyndromic genetic hearing loss. Also called: Nonsyndromic hearing loss and deafness; Nonsyndromic genetic deafness; Non-syndromic genetic deafness. Identifiers: Orphanet 87884, MedGen C5680182, MONDO:0019497.
Autosomal recessive nonsyndromic hearing loss 77. Identifiers: Orphanet 90636, MedGen C2746083, MONDO:0013119, OMIM 613079.

Submissions (4):

Women's Health and Genetics/Laboratory Corporation of America, LabCorp
Classification: Pathogenic for Nonsyndromic genetic hearing loss. Last evaluated: 2025-06-19. Review status: criteria provided, single submitter. Criteria: LabCorp Variant Classification Summary - May 2015. Collection method: clinical testing. Allele origin: germline.
Comment: Variant summary: LOXHD1 c.5023delC (p.Arg1675ValfsX20) results in a premature termination codon, predicted to cause a truncation of the encoded protein or absence of the protein due to nonsense mediated decay, which are commonly known mechanisms for disease. The variant allele was found at a frequency of 6.3e-06 in 158440 control chromosomes. To our knowledge, no occurrence of c.5023delC in individuals affected with Nonsyndromic Hearing Loss And Deafness, Type 77 and no experimental evidence demonstrating its impact on protein function have been reported. ClinVar contains an entry for this variant (Variation ID: 850434). Based on the evidence outlined above, the variant was classified as pathogenic.

PreventionGenetics, part of Exact Sciences
Classification: Likely pathogenic for LOXHD1-related condition. Last evaluated: 2025-04-07. Review status: criteria provided, single submitter. Criteria: ACMG Guidelines, 2015. Collection method: clinical testing. Allele origin: germline.
Comment: The LOXHD1 c.5023delC variant is predicted to result in a frameshift and premature protein termination (p.Arg1675Valfs*20). To our knowledge, this variant has not been reported in the literature in a patient with a LOXHD1 related disorder. This variant is reported in 0.0026% of alleles in individuals of European (Non-Finnish) descent in gnomAD. Frameshift variants in LOXHD1 are expected to be pathogenic. This variant is interpreted as likely pathogenic.

Natera, Inc.
Classification: Likely pathogenic for Autosomal recessive deafness type 77. Last evaluated: 2024-10-29. Review status: criteria provided, single submitter. Criteria: Natera Variant Classification Schema (03/2026). Collection method: clinical testing. Allele origin: germline.
Comment: The c.5023delC variant in LOXHD1 is a frameshift variant predicted to shift the reading frame beginning at codon 1675 and leads to a stop codon 20 codons downstream. This variant is expected to result in nonsense mediated decay, truncation, or a dysfunctional protein product. This variant is rare in the general population with a frequency below the threshold expected for the associated phenotype(s). Given the available evidence, this variant is classified as Likely Pathogenic.

Labcorp Genetics (formerly Invitae), Labcorp
Classification: Pathogenic. Last evaluated: 2024-08-12. Review status: criteria provided, single submitter. Criteria: Invitae Variant Classification Sherloc (09022015). Collection method: clinical testing. Allele origin: germline.
Comment: This sequence change creates a premature translational stop signal (p.Arg1675Valfs*20) in the LOXHD1 gene. It is expected to result in an absent or disrupted protein product. Loss-of-function variants in LOXHD1 are known to be pathogenic (PMID: 19732867, 21465660, 25792669). This variant is present in population databases (rs770258999, gnomAD 0.003%). This variant has not been reported in the literature in individuals affected with LOXHD1-related conditions. ClinVar contains an entry for this variant (Variation ID: 850434). For these reasons, this variant has been classified as Pathogenic.

Literature cited by the submitters: PubMed 19732867 (cited by Labcorp Genetics (formerly Invitae), Labcorp); PubMed 21465660 (cited by Labcorp Genetics (formerly Invitae), Labcorp); PubMed 25792669 (cited by Labcorp Genetics (formerly Invitae), Labcorp).

NM_001384474.1(LOXHD1):c.5023del (p.Arg1675fs)

Gene: LOXHD1 (lipoxygenase homology PLAT domains 1; minus strand). Cytogenetic location: 18q21.1.
Variant type: Deletion.
Coding change: c.5023del on transcript NM_001384474.1 (MANE Select); coding-DNA position 5023, one base deleted (C; older notation c.5023delC).
Protein change: p.Arg1675fs; shifts the reading frame from arginine 1675.
Molecular consequence: frameshift variant.
Genome position (GRCh38, 1-based): chr18:46,522,163, G deleted on the plus strand (C on the coding strand, the reverse complement: LOXHD1 is on the minus strand); the first of 2 consecutive G bases (chr18:46,522,163-46,522,164); deleting either gives the same sequence. VCF-style (leftmost placement, unchanged base first): chr18-46522162-CG-C. GRCh37 (hg19) VCF-style: chr18-44102125-CG-C.
Other names: c.1690del, p.Arg564fs (NM_001145472.3); c.1402del, p.Arg468fs (NM_001308013.2); c.5023del, p.Arg1675fs (NM_144612.7); c.5023delC (NM_144612.6, NM_144612.7); short protein forms R1675fs, R468fs, R564fs.
Identifiers: ClinVar variation 850434 (VCV000850434.10), dbSNP rs770258999, ClinGen allele CA8952266.
Genomic context (GRCh38, chr18:46,522,162, plus strand): 5'-TCTATTTTCTTGATGATGCCCACATCCAAGCCTGCGACGTAGAACTCCTCCACAGAGCCA[CG>C]GCTGAAGCCCCTCTTCCCTCGGGGGTAGTCCAACCAGATGCGCTTACTACGTTCATCATC-3'